The following is an entry in ClinVar:

ClinVar aggregate classification (germline): Benign/Likely benign. Review status: criteria provided, multiple submitters, no conflicts (2 of 4 stars). 14 submissions from 14 submitters: Benign (9); Likely benign (2). 3 of the submissions do not count toward it. Last evaluated 2026-02-04.

Conditions:
Cardiovascular phenotype. Identifiers: MedGen CN230736.
Hereditary cancer-predisposing syndrome. Also called: Tumor predisposition; Neoplastic Syndromes, Hereditary; Hereditary neoplastic syndrome; Hereditary Cancer Syndrome. Identifiers: Orphanet 140162, MedGen C0027672, MeSH D009386, MONDO:0015356.
LZTR1-related schwannomatosis. Also called: Schwannomatosis-2, susceptibility to; Schwannomatosis 2. Identifiers: Orphanet 93921, MedGen C3810283, MONDO:0014299, OMIM 615670.
Noonan syndrome 2 (NS2). Identifiers: Orphanet 648, MedGen C1854469, MONDO:0011531, OMIM 605275.
Noonan syndrome 10 (NS10). Identifiers: Orphanet 648, MedGen C4225280, MONDO:0014693, OMIM 616564.
Noonan syndrome and Noonan-related syndrome. Identifiers: Orphanet 98733, MedGen C5681679, MONDO:0020297.

Allele frequency attached by ClinVar (database versions not stated): 1000 Genomes Project 30x 0.00796; gnomAD 0.01411 and 0.01424; TOPMed 0.01469; gnomAD exomes 0.01557 and 0.02091; ExAC 0.01606.
gnomAD v4.1: 32,635 of 1,612,834 alleles (2%); highest among the groups gnomAD compares: Non-Finnish European, 2.4%; 350 homozygotes.

Submissions (14):

Labcorp Genetics (formerly Invitae), Labcorp
Classification: Benign. Last evaluated: 2026-02-04. Review status: criteria provided, single submitter. Criteria: Invitae Variant Classification Sherloc (09022015). Collection method: clinical testing. Allele origin: germline.

Mayo Clinic Laboratories, Mayo Clinic
Classification: Likely benign. Last evaluated: 2025-08-27. Review status: criteria provided, single submitter. Criteria: ACMG Guidelines, 2015. Collection method: clinical testing. Allele origin: germline. Observed: 40 variant alleles.
Comment: BS1, BP4, BP7

ARUP Laboratories, Molecular Genetics and Genomics, ARUP Laboratories
Classification: Benign. Last evaluated: 2025-07-11. Review status: criteria provided, single submitter. Criteria: ARUP Molecular Germline Variant Investigation Process 2024. Collection method: clinical testing. Allele origin: germline.

Blueprint Genetics
Classification: Likely benign. Last evaluated: 2024-11-27. Review status: criteria provided, single submitter. Criteria: ACMG Guidelines, 2015. Collection method: clinical testing. Allele origin: germline.

Department of Pathology and Laboratory Medicine, Sinai Health System
Classification: Benign for Noonan syndrome 2; LZTR1-related schwannomatosis; Noonan syndrome 10. Last evaluated: 2021-12-30. Review status: criteria provided, single submitter. Criteria: ACMG Guidelines, 2015. Collection method: clinical testing. Allele origin: germline. Affected: yes.

Genome Diagnostics Laboratory, The Hospital for Sick Children
Classification: Benign for Noonan syndrome and Noonan-related syndrome. Last evaluated: 2021-06-03. Review status: criteria provided, single submitter. Criteria: ACMG Guidelines, 2015. Collection method: clinical testing. Allele origin: germline.

Ambry Genetics
Classification: Benign for Cardiovascular phenotype; Hereditary cancer-predisposing syndrome. Last evaluated: 2019-03-20. Review status: criteria provided, single submitter. Criteria: Ambry Variant Classification Scheme 2023. Collection method: clinical testing. Allele origin: germline.

Laboratory for Molecular Medicine, Mass General Brigham Personalized Medicine
Classification: Benign. Last evaluated: 2018-12-28. Review status: criteria provided, single submitter. Criteria: LMM Criteria. Collection method: clinical testing. Allele origin: germline. Observed: 1 variant allele.
Comment: p.Phe751Phe in exon 19 of LZTR1: This variant is not expected to have clinical significance because it does not alter an amino acid residue, is not located within the splice consensus sequence, and has been identified in 2.24% (1432/64006) of European chromosomes by the Exome Aggregation Consortium (ExAC; dbSNP rs143758478).

Women's Health and Genetics/Laboratory Corporation of America, LabCorp
Classification: Benign. Last evaluated: 2017-07-11. Review status: criteria provided, single submitter. Criteria: LabCorp Variant Classification Summary - May 2015. Collection method: clinical testing. Allele origin: germline.
Comment: Variant summary: The LZTR1 c.2253C>T (p.Phe751Phe) variant involves the alteration of a conserved nucleotide causing a synonymous change and 5/5 splice prediction tools predict no significant impact on normal splicing. ESE finder predicts that this variant may alter ESE binding. However, these predictions have yet to be confirmed by functional studies. This variant was found in 1874/116698 control chromosomes (27 homozygotes) at a frequency of 0.0160585, which is approximately 3212 times the estimated maximal expected allele frequency of a pathogenic LZTR1 variant (0.000005), suggesting this variant is likely a benign polymorphism. A clinical diagnostic laboratory classified this variant as benign. Taken together, this variant is classified as benign.

GeneDx
Classification: Benign. Last evaluated: 2016-11-28. Review status: criteria provided, single submitter. Criteria: GeneDx Variant Classification (06012015). Collection method: clinical testing. Allele origin: germline. Affected: yes.
Comment: This variant is considered likely benign or benign based on one or more of the following criteria: it is a conservative change, it occurs at a poorly conserved position in the protein, it is predicted to be benign by multiple in silico algorithms, and/or has population frequency not consistent with disease.

Breakthrough Genomics
Classification: Benign. Review status: criteria provided, single submitter. Criteria: ACMG Guidelines, 2015. Collection method: not provided. Allele origin: germline. Inheritance: Autosomal recessive inheritance. Affected: yes.

Clinical Genetics DNA and cytogenetics Diagnostics Lab, Erasmus MC, Erasmus Medical Center
Classification: Benign. Review status: no assertion criteria provided. Collection method: clinical testing. Allele origin: germline. Affected: yes. Study: VKGL Data-share Consensus. Not counted in ClinVar's aggregate classification.

Clinical Genetics, Academic Medical Center
Classification: Benign. Review status: no assertion criteria provided. Collection method: clinical testing. Allele origin: germline. Affected: yes. Study: VKGL Data-share Consensus. Not counted in ClinVar's aggregate classification.

Joint Genome Diagnostic Labs from Nijmegen and Maastricht, Radboudumc and MUMC+
Classification: Benign. Review status: no assertion criteria provided. Collection method: clinical testing. Allele origin: germline. Affected: yes. Study: VKGL Data-share Consensus. Not counted in ClinVar's aggregate classification.

NM_006767.4(LZTR1):c.2253C>T (p.Phe751=)

Gene: LZTR1 (leucine zipper like post translational regulator 1; plus strand). Cytogenetic location: 22q11.21.
Variant type: single nucleotide variant.
Coding change: c.2253C>T on transcript NM_006767.4 (MANE Select); coding-DNA position 2253, C replaced by T.
Protein change: p.Phe751=; no amino-acid change (phenylalanine 751 retained).
Molecular consequence: synonymous variant.
Genome position (GRCh38, 1-based): chr22:20,996,729, C>T. VCF-style: chr22-20996729-C-T. GRCh37 (hg19) VCF-style: chr22-21351018-C-T.
Other names: p.Phe751=.
Identifiers: ClinVar variation 379423 (VCV000379423.74), dbSNP rs143758478, ClinGen allele CA10119318.
Genomic context (GRCh38, chr22:20,996,729, plus strand): 5'-TTAGTCAGCTCCTTAACCAGGCCCCAGCTACTTGTTTGCGGCCCCCTACTACTACGGCTT[C>T]TACAACAACCGGCTGCAGGCGTACTGCAAGCAGAACCTGGAGATGAACGTGACGGTGCAG-3'
Protein context (NP_006758.2, residues 741-761): YLFAAPYYYG[Phe751=]YNNRLQAYCK